The following is an entry in ClinVar:

NM_000231.3(SGCG):c.5T>C (p.Val2Ala)

Gene: SGCG (sarcoglycan gamma; plus strand). Cytogenetic location: 13q12.12.
Variant type: single nucleotide variant.
Coding change: c.5T>C on transcript NM_000231.3 (MANE Select); coding-DNA position 5, T replaced by C.
Protein change: p.Val2Ala; replaces valine 2 with alanine.
Molecular consequence: missense variant.
Genome position (GRCh38, 1-based): chr13:23,203,699, T>C. VCF-style: chr13-23203699-T-C. GRCh37 (hg19) VCF-style: chr13-23777838-T-C.
Other names: c.59T>C, p.Val20Ala (NM_001378244.1); c.5T>C, p.Val2Ala (NM_001378245.1, NM_001378246.1); short protein forms V20A, V2A.
Identifiers: ClinVar variation 1714973 (VCV001714973.6), dbSNP rs2500524665, ClinGen allele CA387502271.

ClinVar aggregate classification (germline): Uncertain significance (1 of 4 stars; one submission).

Conditions:
Autosomal recessive limb-girdle muscular dystrophy type 2C (LGMDR5). Also called: MUSCULAR DYSTROPHY, LIMB-GIRDLE, AUTOSOMAL RECESSIVE 5; MUSCULAR DYSTROPHY, DUCHENNE-LIKE. Identifiers: Orphanet 353, MedGen C0410173, MONDO:0009677, OMIM 253700. Disease mechanism: Affects gamma-sarcoglycan and also disrupts the integrity of the entire sarcoglycan complex..

Submission:

Labcorp Genetics (formerly Invitae), Labcorp
Classification: Uncertain significance for Autosomal recessive limb-girdle muscular dystrophy type 2C. Last evaluated: 2022-08-03. Review status: criteria provided, single submitter. Criteria: Invitae Variant Classification Sherloc (09022015). Collection method: clinical testing. Allele origin: germline.
Comment: Algorithms developed to predict the effect of missense changes on protein structure and function output the following: SIFT: "Tolerated"; PolyPhen-2: "Benign"; Align-GVGD: "Class C0". The alanine amino acid residue is found in multiple mammalian species, which suggests that this missense change does not adversely affect protein function. In summary, the available evidence is currently insufficient to determine the role of this variant in disease. Therefore, it has been classified as a Variant of Uncertain Significance. This sequence change replaces valine, which is neutral and non-polar, with alanine, which is neutral and non-polar, at codon 2 of the SGCG protein (p.Val2Ala). This variant is not present in population databases (gnomAD no frequency). This variant has not been reported in the literature in individuals affected with SGCG-related conditions.